The following is an entry in ClinVar:

NM_015015.3(KDM4B):c.795C>T (p.Ala265=)

Gene: KDM4B (lysine demethylase 4B; plus strand). Cytogenetic location: 19p13.3.
Variant type: single nucleotide variant.
Coding change: c.795C>T on transcript NM_015015.3 (MANE Select); coding-DNA position 795, C replaced by T.
Protein change: p.Ala265=; no amino-acid change (alanine 265 retained).
Molecular consequence: synonymous variant.
Genome position (GRCh38, 1-based): chr19:5,082,381, C>T. VCF-style: chr19-5082381-C-T. GRCh37 (hg19) VCF-style: chr19-5082392-C-T.
Other names: c.795C>T, p.Ala265= (NM_001370093.1, NM_001370094.1).
Identifiers: ClinVar variation 793573 (VCV000793573.19), dbSNP rs769783719, ClinGen allele CA9107490.
Genomic context (GRCh38, chr19:5,082,381, plus strand): 5'-GCGCCTCTGGTGGCCCTGCCCTCACCTGTCTCCTTTCCCTCTGCAGATCACGCAGGAGGC[C>T]GGGGAATTCATGATCACATTTCCCTACGGCTACCACGCCGGCTTCAATCACGGGTTCAAC-3'
Protein context (NP_055830.1, residues 255-275): GIPFSRITQE[Ala265=]GEFMITFPYG

ClinVar aggregate classification (germline): Likely benign. Review status: criteria provided, multiple submitters, no conflicts (2 of 4 stars). 3 submissions from 3 submitters: Likely benign (3). Last evaluated 2026-03-01.

Allele frequency attached by ClinVar (database versions not stated): TOPMed 0.00002; gnomAD 0.00003 and 0.00004; ExAC 0.00008.
gnomAD v4.1: 105 of 1,613,552 alleles (0.0065%); highest among the groups gnomAD compares: South Asian, 0.024%; no homozygotes.

Submissions (3):

CeGaT Center for Human Genetics Tuebingen
Classification: Likely benign. Last evaluated: 2026-03-01. Review status: criteria provided, single submitter. Criteria: CeGaT Center For Human Genetics Tuebingen Variant Classification Criteria Version 2. Collection method: clinical testing. Allele origin: germline. Affected: yes. Observed: 6 variant alleles.
Comment: KDM4B: BP4, BP7

Labcorp Genetics (formerly Invitae), Labcorp
Classification: Likely benign. Last evaluated: 2018-10-23. Review status: criteria provided, single submitter. Criteria: Invitae Variant Classification Sherloc (09022015). Collection method: clinical testing. Allele origin: germline.

Breakthrough Genomics
Classification: Likely benign. Review status: criteria provided, single submitter. Criteria: ACMG Guidelines, 2015. Collection method: not provided. Allele origin: germline. Inheritance: Autosomal dominant inheritance. Affected: yes.